The following is an entry in ClinVar:

ClinVar aggregate classification (germline): Conflicting classifications of pathogenicity. Review status: criteria provided, conflicting classifications (1 of 4 stars). 10 submissions from 10 submitters: Uncertain significance (4); Likely benign (3). 3 of the submissions do not count toward it. Last evaluated 2025-03-09.

Conditions:
Hereditary breast ovarian cancer syndrome. Also called: BRCA1- and BRCA2-Associated Hereditary Breast and Ovarian Cancer; Hereditary breast and ovarian cancer syndrome (HBOC); Hereditary breast and ovarian cancer syndrome; Breast and ovarian cancer; Hereditary breast and ovarian cancer; Hereditary breast and/or ovarian cancer syndrome. Identifiers: Orphanet 145, MedGen C0677776, MeSH D061325, MONDO:0003582. Disease mechanism: loss of function.
Hereditary cancer-predisposing syndrome. Also called: Hereditary Cancer Syndrome; Hereditary neoplastic syndrome; Neoplastic Syndromes, Hereditary; Tumor predisposition. Identifiers: Orphanet 140162, MedGen C0027672, MeSH D009386, MONDO:0015356.
BRCA1-related disorder. Also called: BRCA1-related condition.
Breast-ovarian cancer, familial, susceptibility to, 1 (BROVCA1). Also called: OVARIAN CANCER, SUSCEPTIBILITY TO; BRCA1 Hereditary Breast and Ovarian Cancer. Identifiers: Orphanet 145, MedGen C2676676, MONDO:0011450, OMIM 604370. Disease mechanism: loss of function.

Allele frequency attached by ClinVar (database versions not stated): gnomAD exomes 0.00001 and 0.00004; ExAC 0.00006.
gnomAD v4.1: 21 of 1,614,150 alleles (0.0013%); highest among the groups gnomAD compares: South Asian, 0.022%; no homozygotes.

Submissions (10):

Labcorp Genetics (formerly Invitae), Labcorp
Classification: Likely benign for Hereditary breast ovarian cancer syndrome. Last evaluated: 2025-03-09. Review status: criteria provided, single submitter. Criteria: Invitae Variant Classification Sherloc (09022015). Collection method: clinical testing. Allele origin: germline.

PreventionGenetics, part of Exact Sciences
Classification: Uncertain significance for BRCA1-related condition. Last evaluated: 2025-03-05. Review status: criteria provided, single submitter. Criteria: ACMG Guidelines, 2015. Collection method: clinical testing. Allele origin: germline.
Comment: The BRCA1 c.976G>C variant is predicted to result in the amino acid substitution p.Glu326Gln. To our knowledge, this variant has not been reported in the literature. This variant is reported in 0.033% of alleles in individuals of South Asian descent in gnomAD and has conflicting interpretations regarding its pathogenicity in ClinVar, ranging from likely benign to uncertain. Although we suspect that this variant may be benign, at this time, the clinical significance of this variant is uncertain due to the absence of conclusive functional and genetic evidence.

Quest Diagnostics Nichols Institute San Juan Capistrano
Classification: Uncertain significance. Last evaluated: 2024-08-13. Review status: criteria provided, single submitter. Criteria: Quest Diagnostics criteria. Collection method: clinical testing. Allele origin: unknown.
Comment: The BRCA1 c.976G>C (p.Glu326Gln) variant has been reported in the published literature to be located in a region of the BRCA1 gene that is tolerant to missense sequence changes (PMID: 31911673 (2020)). To the best of our knowledge, this variant has not been reported in individuals with BRCA1-related disorders. The frequency of this variant in the general population, 0.00033 (10/30612 chromosomes in South Asian subpopulation (Genome Aggregation Database)), is higher than would generally be expected for pathogenic variants in this gene. Analysis of this variant using bioinformatics tools for the prediction of the effect of amino acid changes on protein structure and function yielded conflicting predictions that this variant is benign or damaging. Based on the available information, we are unable to determine the clinical significance of this variant.

GeneDx
Classification: Uncertain significance. Last evaluated: 2024-05-20. Review status: criteria provided, single submitter. Criteria: GeneDx Variant Classification Process June 2021. Collection method: clinical testing. Allele origin: germline. Affected: yes.
Comment: In silico analysis supports that this missense variant has a deleterious effect on protein structure/function; Has not been previously published as pathogenic or benign to our knowledge; Also known as 1095G>C; This variant is associated with the following publications: (PMID: 20104584, 20215511, 11521194, 9582019, 9926942, 15343273, 32377563, 29884841)

Ambry Genetics
Classification: Likely benign for Hereditary cancer-predisposing syndrome. Last evaluated: 2023-10-18. Review status: criteria provided, single submitter. Criteria: Ambry Variant Classification Scheme 2023. Collection method: clinical testing. Allele origin: germline.

University of Washington Department of Laboratory Medicine, University of Washington
Classification: Likely benign for Hereditary cancer-predisposing syndrome. Last evaluated: 2023-03-23. Review status: criteria provided, single submitter. Criteria: Dines et al. (Genet Med. 2020). Collection method: curation. Allele origin: germline.
Comment: Missense variant in a coldspot region where missense variants are very unlikely to be pathogenic (PMID:31911673).

BRCA1 coldspot (exon 11 using historical exon numbering). Reclassification based on statistical prior probability

Women's Health and Genetics/Laboratory Corporation of America, LabCorp
Classification: Uncertain significance. Last evaluated: 2022-01-20. Review status: criteria provided, single submitter. Criteria: LabCorp Variant Classification Summary - May 2015. Collection method: clinical testing. Allele origin: germline.

KCCC/NGS Laboratory, Kuwait Cancer Control Center
Classification: Uncertain significance for Breast-ovarian cancer, familial, susceptibility to, 1. Last evaluated: 2023-05-05. Review status: no assertion criteria provided. Collection method: clinical testing. Allele origin: germline. Affected: yes. Not counted in ClinVar's aggregate classification.
Comment: BRCA1 (p.Glu326Gln): This sequence change replaces glutamic acid with glutamine at codon 326 of the BRCA1 protein (p.Glu326Gln). The glutamic acid residue is moderately conserved and there is a small physicochemical difference between glutamic acid and glutamine. This variant has not been reported in the literature in individuals with BRCA1-related disease. In-silico predictions show pathogenic computational verdict based on 10 pathogenic predictions from BayesDel_addAF, DANN, DEOGEN2, FATHMM-MKL, LIST-S2, M-CAP, MVP, MutationAssessor, MutationTaster and SIFT vs 2 benign predictions from EIGEN and PrimateAI. Therefore, it has been classified as a Variant of Uncertain Significance.

Clinical Genetics Laboratory, Department of Pathology, Netherlands Cancer Institute
Classification: Likely benign. Review status: no assertion criteria provided. Collection method: clinical testing. Allele origin: germline. Affected: yes. Study: VKGL Data-share Consensus. Not counted in ClinVar's aggregate classification.

Laboratory of Diagnostic Genome Analysis, Leiden University Medical Center (LUMC)
Classification: Likely benign. Review status: no assertion criteria provided. Collection method: clinical testing. Allele origin: germline. Affected: yes. Study: VKGL Data-share Consensus. Not counted in ClinVar's aggregate classification.

Literature cited by the submitters: PubMed 31911673 (cited by Quest Diagnostics Nichols Institute San Juan Capistrano); PubMed 20104584 (cited by KCCC/NGS Laboratory, Kuwait Cancer Control Center).

NM_007294.4(BRCA1):c.976G>C (p.Glu326Gln)

Gene: BRCA1 (BRCA1 DNA repair associated; minus strand). Cytogenetic location: 17q21.31.
Variant type: single nucleotide variant.
Coding change: c.976G>C on transcript NM_007294.4 (MANE Select); coding-DNA position 976, G replaced by C.
Protein change: p.Glu326Gln; replaces glutamic acid 326 with glutamine.
Molecular consequence: missense variant. On other transcripts: intron variant (137).
Genome position (GRCh38, 1-based): chr17:43,094,555, C>G on the plus strand (G>C on the coding strand, the complement: BRCA1 is on the minus strand). VCF-style: chr17-43094555-C-G. GRCh37 (hg19) VCF-style: chr17-41246572-C-G.
Other names: c.976G>C (NM_007300.3); c.784+189G>C (NM_001407992.1, NM_001408400.1, NM_001408392.1 and 13 more transcripts); c.664+189G>C (NM_001408440.1, NM_001408428.1, NM_001408441.1 and 12 more transcripts); c.670+1291G>C (NM_001408418.1, NM_001408423.1, NM_001408420.1 and 2 more transcripts); c.787+189G>C (NM_001407981.1, NM_007298.4, NM_001407978.1 and 19 more transcripts); c.643+189G>C (NM_001408462.1, NM_001408470.1, NM_001408464.1 and 3 more transcripts); c.709+189G>C (NM_001408414.1, NM_001408411.1, NM_001408415.1 and 2 more transcripts); c.577+189G>C (NM_001408514.1, NM_001408485.1, NM_001408483.1 and 9 more transcripts); and 41 more; short protein forms E279Q, E326Q, E214Q, E215Q, E237Q, E259Q, E284Q, E285Q.
Identifiers: ClinVar variation 801090 (VCV000801090.23), dbSNP rs773433679, ClinGen allele CA056939.